The following is an entry in ClinVar:

NM_052867.4(NALCN):c.3158G>C (p.Arg1053Thr)

Gene: NALCN (sodium leak channel, non-selective; minus strand). Cytogenetic location: 13q33.1.
Variant type: single nucleotide variant.
Coding change: c.3158G>C on transcript NM_052867.4 (MANE Select); coding-DNA position 3158, G replaced by C.
Protein change: p.Arg1053Thr; replaces arginine 1053 with threonine.
Molecular consequence: missense variant.
Genome position (GRCh38, 1-based): chr13:101,100,788, C>G on the plus strand (G>C on the coding strand, the complement: NALCN is on the minus strand). VCF-style: chr13-101100788-C-G. GRCh37 (hg19) VCF-style: chr13-101753139-C-G.
Other names: c.3158G>C (NM_052867.2); c.3245G>C, p.Arg1082Thr (NM_001350748.2); c.3158G>C, p.Arg1053Thr (NM_001350749.2); c.3071G>C, p.Arg1024Thr (NM_001350750.2, NM_001350751.2); short protein forms R1024T, R1053T, R1082T.
Identifiers: ClinVar variation 2186618 (VCV002186618.8), dbSNP rs142203277, ClinGen allele CA7035487.

ClinVar aggregate classification (germline): Uncertain significance. Review status: criteria provided, multiple submitters, no conflicts (2 of 4 stars). 4 submissions from 4 submitters: Uncertain significance (4). Last evaluated 2026-08-31.

Conditions:
Inborn genetic diseases. Identifiers: MedGen C0950123, MeSH D030342.

Allele frequency attached by ClinVar (database versions not stated): ExAC 0.00003; gnomAD exomes 0.00010; ESP Exome Variant Server 0.00015; TOPMed 0.00003; gnomAD 0.00003.
gnomAD v4.1: 138 of 1,604,916 alleles (0.0086%); highest among the groups gnomAD compares: Non-Finnish European, 0.012%; no homozygotes.

Submissions (4):

GeneDx
Classification: Uncertain significance. Last evaluated: 2026-08-31. Review status: criteria provided, single submitter. Criteria: GeneDx Variant Classification Process June 2021. Collection method: clinical testing. Allele origin: germline.
Comment: In silico analysis suggests that this missense variant does not alter protein structure/function; Has not been previously published as pathogenic or benign to our knowledge

Women's Health and Genetics/Laboratory Corporation of America, LabCorp
Classification: Uncertain significance. Last evaluated: 2026-04-07. Review status: criteria provided, single submitter. Criteria: LabCorp Variant Classification Summary - May 2015. Collection method: clinical testing. Allele origin: germline.
Comment: Variant summary: NALCN c.3158G>C (p.Arg1053Thr) results in a non-conservative amino acid change in the encoded protein sequence. Algorithms developed to predict the effect of missense changes on protein structure and function are either unavailable or do not agree on the potential impact of this missense change. The variant allele was found at a frequency of 2.9e-05 in 242694 control chromosomes. The available data on variant occurrences in the general population are insufficient to allow any conclusion about variant significance. To our knowledge, no occurrence of c.3158G>C in individuals affected with NALCN-related conditions and no experimental evidence demonstrating its impact on protein function have been reported. ClinVar contains an entry for this variant (Variation ID: 2186618). Based on the evidence outlined above, the variant was classified as uncertain significance.

Ambry Genetics
Classification: Uncertain significance for Inborn genetic diseases. Last evaluated: 2025-10-29. Review status: criteria provided, single submitter. Criteria: Ambry Variant Classification Scheme 2023. Collection method: clinical testing. Allele origin: germline.

Labcorp Genetics (formerly Invitae), Labcorp
Classification: Uncertain significance. Last evaluated: 2024-06-18. Review status: criteria provided, single submitter. Criteria: Invitae Variant Classification Sherloc (09022015). Collection method: clinical testing. Allele origin: germline.
Comment: This sequence change replaces arginine, which is basic and polar, with threonine, which is neutral and polar, at codon 1053 of the NALCN protein (p.Arg1053Thr). This variant is present in population databases (rs142203277, gnomAD 0.006%). This variant has not been reported in the literature in individuals affected with NALCN-related conditions. ClinVar contains an entry for this variant (Variation ID: 2186618). Advanced modeling of protein sequence and biophysical properties (such as structural, functional, and spatial information, amino acid conservation, physicochemical variation, residue mobility, and thermodynamic stability) performed at Invitae indicates that this missense variant is not expected to disrupt NALCN protein function with a negative predictive value of 80%. In summary, the available evidence is currently insufficient to determine the role of this variant in disease. Therefore, it has been classified as a Variant of Uncertain Significance.